The following is an entry in ClinVar:

ClinVar aggregate classification (germline): Uncertain significance (1 of 4 stars; one submission).

Submission:

Labcorp Genetics (formerly Invitae), Labcorp
Classification: Uncertain significance. Last evaluated: 2024-02-09. Review status: criteria provided, single submitter. Criteria: Invitae Variant Classification Sherloc (09022015). Collection method: clinical testing. Allele origin: germline.
Comment: This sequence change replaces lysine, which is basic and polar, with glutamic acid, which is acidic and polar, at codon 1084 of the MSH3 protein (p.Lys1084Glu). This variant is not present in population databases (gnomAD no frequency). This variant has not been reported in the literature in individuals affected with MSH3-related conditions. An algorithm developed to predict the effect of missense changes on protein structure and function (PolyPhen-2) suggests that this variant is likely to be tolerated. In summary, the available evidence is currently insufficient to determine the role of this variant in disease. Therefore, it has been classified as a Variant of Uncertain Significance.

NM_002439.5(MSH3):c.3250A>G (p.Lys1084Glu)

Gene: MSH3 (mutS homolog 3; plus strand). Cytogenetic location: 5q14.1.
Variant type: single nucleotide variant.
Coding change: c.3250A>G on transcript NM_002439.5 (MANE Select); coding-DNA position 3250, A replaced by G.
Protein change: p.Lys1084Glu; replaces lysine 1084 with glutamic acid.
Molecular consequence: missense variant.
Genome position (GRCh38, 1-based): chr5:80,873,235, A>G. VCF-style: chr5-80873235-A-G. GRCh37 (hg19) VCF-style: chr5-80169054-A-G.
Other names: short protein forms K1084E.
Identifiers: ClinVar variation 3639815 (VCV003639815.2).